The following is an entry in ClinVar:

NM_001267550.2(TTN):c.91158C>T (p.Ala30386=)

Genes: TTN (titin; minus strand), TTN-AS1 (TTN antisense RNA 1; plus strand). Cytogenetic location: 2q31.2.
Variant type: single nucleotide variant.
Coding change: c.91158C>T on transcript NM_001267550.2 (MANE Select); coding-DNA position 91158, C replaced by T.
Protein change: p.Ala30386=; no amino-acid change (alanine 30386 retained).
Molecular consequence: synonymous variant.
Genome position (GRCh38, 1-based): chr2:178,551,742, G>A on the plus strand (C>T on the coding strand, the complement: TTN is on the minus strand). VCF-style: chr2-178551742-G-A. GRCh37 (hg19) VCF-style: chr2-179416469-G-A.
Other names: c.64338C>T, p.Ala21446= (NM_133432.3); c.64539C>T, p.Ala21513= (NM_133437.4); c.86235C>T, p.Ala28745= (NM_001256850.1); c.63963C>T, p.Ala21321= (NM_003319.4); c.83454C>T, p.Ala27818= (NM_133378.4).
Identifiers: ClinVar variation 2651593 (VCV002651593.24), dbSNP rs2469263504, ClinGen allele CA430245151.

ClinVar aggregate classification (germline): Likely benign (1 of 4 stars; one submission).

Submission:

CeGaT Center for Human Genetics Tuebingen
Classification: Likely benign. Last evaluated: 2022-10-01. Review status: criteria provided, single submitter. Criteria: CeGaT Center For Human Genetics Tuebingen Variant Classification Criteria Version 2. Collection method: clinical testing. Allele origin: germline. Affected: yes. Observed: 1 variant allele.
Comment: TTN: PM2:Supporting, BP4, BP7